The following is an entry in ClinVar:

NM_005984.5(SLC25A1):c.693C>T (p.Gly231=)

Gene: SLC25A1 (solute carrier family 25 member 1; minus strand). Cytogenetic location: 22q11.21.
Variant type: single nucleotide variant.
Coding change: c.693C>T on transcript NM_005984.5 (MANE Select); coding-DNA position 693, C replaced by T.
Protein change: p.Gly231=; no amino-acid change (glycine 231 retained).
Molecular consequence: synonymous variant. On other transcripts: non-coding transcript variant (1).
Genome position (GRCh38, 1-based): chr22:19,176,632, G>A on the plus strand (C>T on the coding strand, the complement: SLC25A1 is on the minus strand). VCF-style: chr22-19176632-G-A. GRCh37 (hg19) VCF-style: chr22-19164145-G-A.
Other names: p.Gly231=; NC_000022.10:g.19164145G>A; c.714C>T, p.Gly238= (NM_001256534.2); c.384C>T, p.Gly128= (NM_001287387.2).
Identifiers: ClinVar variation 3380688 (VCV003380688.3).

ClinVar aggregate classification (germline): Conflicting classifications of pathogenicity. Review status: criteria provided, conflicting classifications (1 of 4 stars). 2 submissions from 2 submitters: Uncertain significance (1); Likely benign (1). Last evaluated 2024-08-21.

gnomAD v4.1: 23 of 1,613,824 alleles (0.0014%); highest among the groups gnomAD compares: East Asian, 0.038%; no homozygotes.

Submissions (3):

Mayo Clinic Laboratories, Mayo Clinic
Classification: Uncertain significance. Last evaluated: 2024-08-21. Review status: criteria provided, single submitter. Criteria: ACMG Guidelines, 2015. Collection method: clinical testing. Allele origin: germline. Observed: 1 variant allele.
Comment: PM2

Blueprint Genetics
Classification: Likely benign. Last evaluated: 2023-12-14. Review status: criteria provided, single submitter. Criteria: ACMG Guidelines, 2015. Collection method: clinical testing. Allele origin: germline.

Dr. Peter K. Rogan Lab, Western University
No classification provided (evidence only). Condition: Gastric cancer. Review status: no classification provided. Collection method: in vitro. Allele origin: not applicable. Functional consequence: retained intron. Not counted in ClinVar's aggregate classification.